The following is an entry in ClinVar:

NM_021813.4(BACH2):c.1001G>A (p.Ser334Asn)

Gene: BACH2 (BACH transcriptional regulator 2; minus strand). Cytogenetic location: 6q15.
Variant type: single nucleotide variant.
Coding change: c.1001G>A on transcript NM_021813.4 (MANE Select); coding-DNA position 1001, G replaced by A.
Protein change: p.Ser334Asn; replaces serine 334 with asparagine.
Molecular consequence: missense variant.
Genome position (GRCh38, 1-based): chr6:89,951,105, C>T on the plus strand (G>A on the coding strand, the complement: BACH2 is on the minus strand). VCF-style: chr6-89951105-C-T. GRCh37 (hg19) VCF-style: chr6-90660824-C-T.
Other names: c.1001G>A, p.Ser334Asn (NM_001170794.2); short protein forms S334N.
Identifiers: ClinVar variation 3901015 (VCV003901015.3).

ClinVar aggregate classification (germline): Uncertain significance. Review status: criteria provided, multiple submitters, no conflicts (2 of 4 stars). 2 submissions from 2 submitters: Uncertain significance (2). Last evaluated 2025-11-06.

Conditions:
Immunodeficiency 60. Also called: IMMUNODEFICIENCY AND AUTOIMMUNITY, BACH2-RELATED; IMMUNODEFICIENCY 60 AND AUTOIMMUNITY. Identifiers: MedGen C5193072, MONDO:0032723, OMIM 618394.

gnomAD v4.1: 1 of 1,612,766 alleles (0.000062%); highest among the groups gnomAD compares: South Asian, 0.0011%; no homozygotes.

Submissions (2):

Dasa
Classification: Uncertain significance for Immunodeficiency 60. Last evaluated: 2025-11-06. Review status: criteria provided, single submitter. Criteria: DASA Assertion Criteria. Collection method: clinical testing. Allele origin: germline.
Comment: NM_021813.4(BACH2):c.1001G>A (p.Ser334Asn) is a missense variant that results in the substitution of serine with asparagine. This variant is rare in population databases. Computational prediction algorithms are consistent with a benign effect. The currently available literature and clinical evidence are not sufficient to establish a definitive association between this variant and the reported condition. Therefore, this variant is classified as a variant of uncertain significance.

Laboratorio de Genetica e Diagnostico Molecular, Hospital Israelita Albert Einstein
Classification: Uncertain significance for Immunodeficiency 60. Last evaluated: 2023-03-03. Review status: criteria provided, single submitter. Criteria: ACMG Guidelines, 2015. Collection method: clinical testing. Allele origin: germline. Affected: yes.
Comment: ACMG classification criteria: PM2 moderate, BP4 supporting